The following is an entry in ClinVar:

ClinVar aggregate classification (germline): Uncertain significance (1 of 4 stars; one submission).

Conditions:
Aortic aneurysm, familial thoracic 8 (AAT8). Identifiers: MedGen C3809513, MONDO:0014187, OMIM 615436.

Submission:

Labcorp Genetics (formerly Invitae), Labcorp
Classification: Uncertain significance for Aortic aneurysm, familial thoracic 8. Last evaluated: 2025-10-21. Review status: criteria provided, single submitter. Criteria: Invitae Variant Classification Sherloc (09022015). Collection method: clinical testing. Allele origin: germline.
Comment: This sequence change falls in intron 14 of the PRKG1 gene. It does not directly change the encoded amino acid sequence of the PRKG1 protein. It affects a nucleotide within the consensus splice site. This variant is not present in population databases (gnomAD no frequency). This variant has not been reported in the literature in individuals affected with PRKG1-related conditions. Variants that disrupt the consensus splice site are a relatively common cause of aberrant splicing (PMID: 17576681, 9536098). Algorithms developed to predict the effect of sequence changes on RNA splicing suggest that this variant is not likely to affect RNA splicing. In summary, the available evidence is currently insufficient to determine the role of this variant in disease. Therefore, it has been classified as a Variant of Uncertain Significance.

Literature cited by the submitters: PubMed 17576681; PubMed 9536098.

NM_006258.4(PRKG1):c.1709+4T>G

Gene: PRKG1 (protein kinase cGMP-dependent 1; plus strand). Cytogenetic location: 10q21.1.
Variant type: single nucleotide variant.
Coding change: c.1709+4T>G on transcript NM_006258.4 (MANE Select); 4 bases into the intron after coding-DNA position 1709, T replaced by G.
Molecular consequence: intron variant.
Genome position (GRCh38, 1-based): chr10:52,282,320, T>G. VCF-style: chr10-52282320-T-G. GRCh37 (hg19) VCF-style: chr10-54042080-T-G.
Other names: c.1664+4T>G (NM_001098512.3); c.500+4T>G (NM_001374781.1).
Identifiers: ClinVar variation 4744004 (VCV004744004.1).